The following is an entry in ClinVar:

ClinVar aggregate classification (germline): Pathogenic (1 of 4 stars; one submission).

Conditions:
Eichsfeld type congenital muscular dystrophy (CMYO3). Also called: MYOPATHY, SEPN1-RELATED; SELENON-related myopathy; Congenital myopathy 3 with rigid spine; Rigid spine muscular dystrophy 1. Identifiers: MedGen C0410180, MONDO:0100100, OMIM 602771.

Submission:

Labcorp Genetics (formerly Invitae), Labcorp
Classification: Pathogenic for Eichsfeld type congenital muscular dystrophy. Last evaluated: 2021-09-14. Review status: criteria provided, single submitter. Criteria: Invitae Variant Classification Sherloc (09022015). Collection method: clinical testing. Allele origin: germline.
Comment: For these reasons, this variant has been classified as Pathogenic. This variant has not been reported in the literature in individuals affected with SELENON-related conditions. This variant is not present in population databases (ExAC no frequency). This sequence change creates a premature translational stop signal (p.Tyr234Serfs*67) in the SELENON gene. It is expected to result in an absent or disrupted protein product. Loss-of-function variants in SELENON are known to be pathogenic (PMID: 21131290, 21670436).

Literature cited by the submitters: PubMed 21131290; PubMed 21670436.

NM_206926.2(SELENON):c.598_599insC (p.Tyr200fs)

Gene: SELENON (selenoprotein N; plus strand). Cytogenetic location: 1p36.11.
Variant type: Insertion.
Coding change: c.598_599insC on transcript NM_206926.2 (MANE Select); coding-DNA positions 598 to 599, C inserted.
Protein change: p.Tyr200fs; shifts the reading frame from tyrosine 200.
Molecular consequence: frameshift variant.
Genome position: GRCh38 VCF-style: chr1-25808742-T-TC. GRCh37 (hg19) VCF-style: chr1-26135233-T-TC.
Other names: c.700_701insC, p.Tyr234fs (NM_020451.3); short protein forms Y234fs, Y200fs.
Identifiers: ClinVar variation 1451790 (VCV001451790.6), dbSNP rs2124447526, ClinGen allele CA2573132209.